The following is an entry in ClinVar:

NM_000179.3(MSH6):c.389A>G (p.His130Arg)

Gene: MSH6 (mutS homolog 6; plus strand). Cytogenetic location: 2p16.3.
Variant type: single nucleotide variant.
Coding change: c.389A>G on transcript NM_000179.3 (MANE Select); coding-DNA position 389, A replaced by G.
Protein change: p.His130Arg; replaces histidine 130 with arginine.
Molecular consequence: missense variant. On other transcripts: 5 prime UTR variant (2), intron variant (1).
Genome position (GRCh38, 1-based): chr2:47,791,055, A>G. VCF-style: chr2-47791055-A-G. GRCh37 (hg19) VCF-style: chr2-48018194-A-G.
Other names: c.-348A>G (NM_001281493.2); c.-514A>G (NM_001281494.2); c.238-7556A>G (NM_001281492.2); short protein forms H130R.
Identifiers: ClinVar variation 418320 (VCV000418320.22), dbSNP rs1064793184, ClinGen allele CA16617626.
Genomic context (GRCh38, chr2:47,791,055, plus strand): 5'-TTTACAACCACCCCTTTGATGGAACATTCATCCGCGAGAAAGGGAAATCAGTCCGTGTTC[A>G]TGTACAGTTTTTTGATGACAGCCCAACAAGGGGCTGGGTTAGCAAAAGGCTTTTAAAGCC-3'
Protein context (NP_000170.1, residues 120-140): IREKGKSVRV[His130Arg]VQFFDDSPTR

ClinVar aggregate classification (germline): Conflicting classifications of pathogenicity. Review status: criteria provided, conflicting classifications (1 of 4 stars). 6 submissions from 6 submitters: Uncertain significance (5); Likely benign (1). Last evaluated 2025-12-03.

Conditions:
Hereditary nonpolyposis colorectal neoplasms. Identifiers: MedGen C0009405, MeSH D003123.
Hereditary cancer-predisposing syndrome. Also called: Tumor predisposition; Neoplastic Syndromes, Hereditary; Hereditary Cancer Syndrome; Hereditary neoplastic syndrome. Identifiers: Orphanet 140162, MedGen C0027672, MeSH D009386, MONDO:0015356.
Lynch syndrome. Identifiers: Orphanet 144, MedGen C4552100, MONDO:0005835. Disease mechanism: loss of function.
Lynch syndrome 5 (LYNCH5). Also called: Colorectal cancer, hereditary nonpolyposis, type 5; Hereditary non-polyposis colorectal cancer, type 5. Identifiers: Orphanet 144, MedGen C1833477, MONDO:0013710, OMIM 614350. Disease mechanism: loss of function.

Allele frequency attached by ClinVar (database versions not stated): gnomAD 0.00003.

Submissions (6):

Helix
Classification: Uncertain significance for Lynch syndrome 5. Last evaluated: 2025-12-03. Review status: criteria provided, single submitter. Criteria: ACMG Guidelines, 2015. Collection method: clinical testing. Allele origin: germline. Inheritance: Autosomal dominant inheritance.
Comment: This variant (NM_000179.3:c.389A>G p.His130Arg) results in the substitution of histidine with arginine at codon 130 in the MSH6 protein. It is a rare variant that is absent from the large gnomAD population database (v4.1). To our knowledge, this variant has not been reported in individuals with MSH6-related conditions in the published literature. In silico prediction from the HCI Database of Prior Probabilities of Pathogenicity suggests that this variant may be deleterious. This variant is present in ClinVar (Variation ID: 418320). In conclusion, since the available evidence is limited, the clinical significance of this variant is unclear at this time. Therefore, it is classified as a Variant of Uncertain Significance.

Labcorp Genetics (formerly Invitae), Labcorp
Classification: Likely benign for Hereditary nonpolyposis colorectal neoplasms. Last evaluated: 2025-04-02. Review status: criteria provided, single submitter. Criteria: Invitae Variant Classification Sherloc (09022015). Collection method: clinical testing. Allele origin: germline.

Color Diagnostics, LLC DBA Color Health
Classification: Uncertain significance for Hereditary cancer-predisposing syndrome. Last evaluated: 2024-12-16. Review status: criteria provided, single submitter. Criteria: ACMG Guidelines, 2015. Collection method: clinical testing. Allele origin: germline.
Comment: This missense variant replaces histidine with arginine at codon 130 of the MSH6 protein. Computational prediction suggests that this variant may have deleterious impact on protein structure and function (internally defined REVEL score threshold >= 0.7, PMID: 27666373). To our knowledge, functional studies have not been reported for this variant. This variant has not been reported in individuals affected with MSH6-related disorders in the literature. This variant has been identified in 1/31406 chromosomes in the general population by the Genome Aggregation Database (gnomAD). The available evidence is insufficient to determine the role of this variant in disease conclusively. Therefore, this variant is classified as a Variant of Uncertain Significance.

Ambry Genetics
Classification: Uncertain significance for Hereditary cancer-predisposing syndrome. Last evaluated: 2024-10-11. Review status: criteria provided, single submitter. Criteria: Ambry Variant Classification Scheme 2023. Collection method: clinical testing. Allele origin: germline.
Comment: The p.H130R variant (also known as c.389A>G), located in coding exon 2 of the MSH6 gene, results from an A to G substitution at nucleotide position 389. The histidine at codon 130 is replaced by arginine, an amino acid with highly similar properties. This amino acid position is highly conserved in available vertebrate species. In addition, this alteration is predicted to be deleterious by in silico analysis. Since supporting evidence is limited at this time, the clinical significance of this alteration remains unclear.

GeneDx
Classification: Uncertain significance. Last evaluated: 2024-02-27. Review status: criteria provided, single submitter. Criteria: GeneDx Variant Classification Process June 2021. Collection method: clinical testing. Allele origin: germline. Affected: yes.
Comment: Not observed at significant frequency in large population cohorts (gnomAD); In silico analysis supports that this missense variant has a deleterious effect on protein structure/function; Has not been previously published as pathogenic or benign to our knowledge

All of Us Research Program, National Institutes of Health
Classification: Uncertain significance for Lynch syndrome. Last evaluated: 2023-12-01. Review status: criteria provided, single submitter. Criteria: ACMG Guidelines, 2015. Collection method: clinical testing. Allele origin: germline. Inheritance: Autosomal dominant inheritance. Observed: 3 variant alleles, 3 heterozygotes.
Comment: This study involves interpretation of variants in research participants for the purpose of population health screening. Participant phenotype was not available at the time of variant classification. Additional details can be found in publication PMID: 35346344, PMCID: PMC8962531